The following is an entry in ClinVar:

ClinVar aggregate classification (germline): Uncertain significance (1 of 4 stars; one submission).

Conditions:
Hereditary cancer-predisposing syndrome. Also called: Hereditary Cancer Syndrome; Tumor predisposition; Hereditary neoplastic syndrome; Neoplastic Syndromes, Hereditary. Identifiers: Orphanet 140162, MedGen C0027672, MeSH D009386, MONDO:0015356.
Cardiovascular phenotype. Identifiers: MedGen CN230736.

gnomAD v4.1: 1 of 1,611,876 alleles (0.000062%); highest among the groups gnomAD compares: Non-Finnish European, 0.000085%; no homozygotes.

Submission:

Ambry Genetics
Classification: Uncertain significance for Cardiovascular phenotype; Hereditary cancer-predisposing syndrome. Last evaluated: 2024-11-15. Review status: criteria provided, single submitter. Criteria: Ambry Variant Classification Scheme 2023. Collection method: clinical testing. Allele origin: germline.
Comment: The p.E836K variant (also known as c.2506G>A), located in coding exon 21 of the NF1 gene, results from a G to A substitution at nucleotide position 2506. The glutamic acid at codon 836 is replaced by lysine, an amino acid with similar properties. This amino acid position is conserved. In addition, this alteration is predicted to be deleterious by in silico analysis. Based on the available evidence, the clinical significance of this variant remains unclear.

NM_001042492.3(NF1):c.2506G>A (p.Glu836Lys)

Gene: NF1 (neurofibromin 1; plus strand). Cytogenetic location: 17q11.2.
Variant type: single nucleotide variant.
Coding change: c.2506G>A on transcript NM_001042492.3 (MANE Select); coding-DNA position 2506, G replaced by A.
Protein change: p.Glu836Lys; replaces glutamic acid 836 with lysine.
Molecular consequence: missense variant.
Genome position (GRCh38, 1-based): chr17:31,229,121, G>A. VCF-style: chr17-31229121-G-A. GRCh37 (hg19) VCF-style: chr17-29556139-G-A.
Other names: c.2506G>A, p.Glu836Lys (NM_000267.4); short protein forms E836K.
Identifiers: ClinVar variation 3404919 (VCV003404919.1).